The following is an entry in ClinVar:

NM_005359.6(SMAD4):c.568G>C (p.Ala190Pro)

Gene: SMAD4 (SMAD family member 4; plus strand). Cytogenetic location: 18q21.2.
Variant type: single nucleotide variant.
Coding change: c.568G>C on transcript NM_005359.6 (MANE Select); coding-DNA position 568, G replaced by C.
Protein change: p.Ala190Pro; replaces alanine 190 with proline.
Molecular consequence: missense variant.
Genome position (GRCh38, 1-based): chr18:51,054,894, G>C. VCF-style: chr18-51054894-G-C. GRCh37 (hg19) VCF-style: chr18-48581264-G-C.
Other names: short protein forms A190P.
Identifiers: ClinVar variation 1171726 (VCV001171726.2), dbSNP rs61751988, ClinGen allele CA300084603.

ClinVar aggregate classification (germline): Uncertain significance (1 of 4 stars; one submission).

Conditions:
Hereditary cancer-predisposing syndrome. Also called: Tumor predisposition; Hereditary neoplastic syndrome; Hereditary Cancer Syndrome; Neoplastic Syndromes, Hereditary. Identifiers: Orphanet 140162, MedGen C0027672, MeSH D009386, MONDO:0015356.

Submission:

Color Diagnostics, LLC DBA Color Health
Classification: Uncertain significance for Hereditary cancer-predisposing syndrome. Last evaluated: 2021-02-18. Review status: criteria provided, single submitter. Criteria: ACMG Guidelines, 2015. Collection method: clinical testing. Allele origin: germline.
Comment: This missense variant replaces alanine with proline at codon 190 of the SMAD4 protein. Computational prediction suggests that this variant may not impact protein structure and function (internally defined REVEL score threshold <= 0.5, PMID: 27666373). To our knowledge, functional studies have not been reported for this variant. This variant has not been reported in individuals affected with hereditary cancer in the literature. This variant has not been identified in the general population by the Genome Aggregation Database (gnomAD). The available evidence is insufficient to determine the role of this variant in disease conclusively. Therefore, this variant is classified as a Variant of Uncertain Significance.